The following is an entry in ClinVar:

ClinVar aggregate classification (germline): Likely pathogenic (1 of 4 stars; one submission).

Submission:

Labcorp Genetics (formerly Invitae), Labcorp
Classification: Likely pathogenic. Last evaluated: 2022-03-20. Review status: criteria provided, single submitter. Criteria: Invitae Variant Classification Sherloc (09022015). Collection method: clinical testing. Allele origin: germline.
Comment: This variant has not been reported in the literature in individuals affected with PORCN-related conditions. In summary, the currently available evidence indicates that the variant is pathogenic, but additional data are needed to prove that conclusively. Therefore, this variant has been classified as Likely Pathogenic. Algorithms developed to predict the effect of sequence changes on RNA splicing suggest that this variant may disrupt the consensus splice site. This variant is not present in population databases (gnomAD no frequency). This sequence change affects an acceptor splice site in intron 3 of the PORCN gene. It is expected to disrupt RNA splicing. Variants that disrupt the donor or acceptor splice site typically lead to a loss of protein function (PMID: 16199547), and loss-of-function variants in PORCN are known to be pathogenic (PMID: 17546030, 19309688).

Literature cited by the submitters: PubMed 16199547; PubMed 17546030; PubMed 19309688.

NM_203475.3(PORCN):c.330-1G>T

Gene: PORCN (porcupine O-acyltransferase; plus strand). Cytogenetic location: Xp11.23.
Variant type: single nucleotide variant.
Coding change: c.330-1G>T on transcript NM_203475.3 (MANE Select); the canonical splice acceptor site of the intron before coding-DNA position 330, G replaced by T.
Molecular consequence: splice acceptor variant.
Genome position (GRCh38, 1-based): chrX:48,511,891, G>T. VCF-style: chrX-48511891-G-T. GRCh37 (hg19) VCF-style: chrX-48370279-G-T.
Other names: c.117-1G>T (NM_001282167.2); c.330-1G>T (NM_203473.3, NM_022825.4, NM_203474.1).
Identifiers: ClinVar variation 2115190 (VCV002115190.4), dbSNP rs2519447785, ClinGen allele CA412843384.